The following is an entry in ClinVar:

ClinVar aggregate classification (germline): Likely benign (1 of 4 stars; one submission).

gnomAD v4.1: 84 of 1,612,854 alleles (0.0052%); highest among the groups gnomAD compares: Middle Eastern, 0.049%; no homozygotes.

Submission:

CeGaT Center for Human Genetics Tuebingen
Classification: Likely benign. Last evaluated: 2025-02-01. Review status: criteria provided, single submitter. Criteria: CeGaT Center For Human Genetics Tuebingen Variant Classification Criteria Version 2. Collection method: clinical testing. Allele origin: germline. Affected: yes. Observed: 2 variant alleles.
Comment: KDM4B: BP4, BP7

NM_015015.3(KDM4B):c.2988G>A (p.Lys996=)

Gene: KDM4B (lysine demethylase 4B; plus strand). Cytogenetic location: 19p13.3.
Variant type: single nucleotide variant.
Coding change: c.2988G>A on transcript NM_015015.3 (MANE Select); coding-DNA position 2988, G replaced by A.
Protein change: p.Lys996=; no amino-acid change (lysine 996 retained).
Molecular consequence: synonymous variant.
Genome position (GRCh38, 1-based): chr19:5,144,869, G>A. VCF-style: chr19-5144869-G-A. GRCh37 (hg19) VCF-style: chr19-5144880-G-A.
Other names: c.3090G>A, p.Lys1030= (NM_001411148.1).
Identifiers: ClinVar variation 3770953 (VCV003770953.13).